The following is an entry in ClinVar:

NM_000352.6(ABCC8):c.207_208inv (p.Gly70Arg)

Gene: ABCC8 (ATP binding cassette subfamily C member 8; minus strand). Cytogenetic location: 11p15.1.
Variant type: Inversion.
Coding change: c.207_208inv on transcript NM_000352.6 (MANE Select).
Protein change: p.Gly70Arg; replaces glycine 70 with arginine.
Molecular consequence: missense variant. On other transcripts: non-coding transcript variant (1).
Genome position: GRCh38 VCF-style: chr11-17474968-CA-TG. GRCh37 (hg19) VCF-style: chr11-17496515-CA-TG.
Other names: c.207_208inv, p.Gly70Arg (NM_001287174.3, NM_001351295.2, NM_001351296.2 and 1 more transcripts); short protein forms G70R.
Identifiers: ClinVar variation 3708643 (VCV003708643.2).

ClinVar aggregate classification (germline): Uncertain significance (1 of 4 stars; one submission).

Submission:

Labcorp Genetics (formerly Invitae), Labcorp
Classification: Uncertain significance. Last evaluated: 2024-11-19. Review status: criteria provided, single submitter. Criteria: Invitae Variant Classification Sherloc (09022015). Collection method: clinical testing. Allele origin: germline.
Comment: This sequence change replaces glycine, which is neutral and non-polar, with arginine, which is basic and polar, at codon 70 of the ABCC8 protein (p.Gly70Arg). Information on the frequency of this variant in the gnomAD database is not available, as this variant may be reported differently in the database. This missense change has been observed in individual(s) with clinical features of ABCC8-related conditions and/or congenital hyperinsulinism (PMID: 21378087, 32893419). In at least one individual the data is consistent with being in trans (on the opposite chromosome) from a pathogenic variant. Experimental studies and prediction algorithms are not available or were not evaluated, and the functional significance of this variant is currently unknown. In summary, the available evidence is currently insufficient to determine the role of this variant in disease. Therefore, it has been classified as a Variant of Uncertain Significance.

Literature cited by the submitters: PubMed 21378087; PubMed 32893419.